The following is an entry in ClinVar:

NM_000051.4(ATM):c.5490G>A (p.Met1830Ile)

Gene: ATM (ATM serine/threonine kinase; plus strand). Cytogenetic location: 11q22.3.
Variant type: single nucleotide variant.
Coding change: c.5490G>A on transcript NM_000051.4 (MANE Select); coding-DNA position 5490, G replaced by A.
Protein change: p.Met1830Ile; replaces methionine 1830 with isoleucine.
Molecular consequence: missense variant.
Genome position (GRCh38, 1-based): chr11:108,303,023, G>A. VCF-style: chr11-108303023-G-A. GRCh37 (hg19) VCF-style: chr11-108173750-G-A.
Other names: c.5490G>A, p.Met1830Ile (NM_001351834.2); short protein forms M1830I.
Identifiers: ClinVar variation 631467 (VCV000631467.21), dbSNP rs779720793, ClinGen allele CA6265708.
Genomic context (GRCh38, chr11:108,303,023, plus strand): 5'-TTGTGCTTTTTTGGACAGTGGAGGCACAAAATGTGAAATTCTTCAATTATTAAAGCCAAT[G>A]TGTGAAGTAAGAAGATTAATTAGTCTGATATAATTCCTTGTTTATGACCTGTTTATCTAA-3'
Protein context (NP_000042.3, residues 1820-1840): KCEILQLLKP[Met1830Ile]CEVKTDFCQT

ClinVar aggregate classification (germline): Uncertain significance. Review status: criteria provided, multiple submitters, no conflicts (2 of 4 stars). 5 submissions from 5 submitters: Uncertain significance (4). 1 of the submissions does not count toward it. Last evaluated 2025-08-03.

Conditions:
Ataxia-telangiectasia syndrome (AT). Also called: Ataxia-telangiectasia, complementation group D; AT, COMPLEMENTATION GROUP C; Ataxia-telangiectasia; ATAXIA-TELANGIECTASIA, COMPLEMENTATION GROUP A; ATAXIA-TELANGIECTASIA, FRESNO VARIANT; LOUIS-BAR SYNDROME. Identifiers: Orphanet 100, MedGen C0004135, MONDO:0008840, OMIM 208900.
Hereditary cancer-predisposing syndrome. Also called: Hereditary Cancer Syndrome; Neoplastic Syndromes, Hereditary; Tumor predisposition; Hereditary neoplastic syndrome. Identifiers: Orphanet 140162, MedGen C0027672, MeSH D009386, MONDO:0015356.

Allele frequency attached by ClinVar (database versions not stated): gnomAD exomes below 0.00001; ExAC 0.00001.

Submissions (5):

Labcorp Genetics (formerly Invitae), Labcorp
Classification: Uncertain significance for Ataxia-telangiectasia syndrome. Last evaluated: 2025-08-03. Review status: criteria provided, single submitter. Criteria: Invitae Variant Classification Sherloc (09022015). Collection method: clinical testing. Allele origin: germline.
Comment: This sequence change replaces methionine, which is neutral and non-polar, with isoleucine, which is neutral and non-polar, at codon 1830 of the ATM protein (p.Met1830Ile). This variant is present in population databases (rs779720793, gnomAD 0.003%). This variant has not been reported in the literature in individuals affected with ATM-related conditions. ClinVar contains an entry for this variant (Variation ID: 631467). Invitae Evidence Modeling of protein sequence and biophysical properties (such as structural, functional, and spatial information, amino acid conservation, physicochemical variation, residue mobility, and thermodynamic stability) indicates that this missense variant is not expected to disrupt ATM protein function with a negative predictive value of 95%. In summary, the available evidence is currently insufficient to determine the role of this variant in disease. Therefore, it has been classified as a Variant of Uncertain Significance.

Ambry Genetics
Classification: Uncertain significance for Hereditary cancer-predisposing syndrome. Last evaluated: 2025-05-12. Review status: criteria provided, single submitter. Criteria: Ambry Variant Classification Scheme 2023. Collection method: clinical testing. Allele origin: germline.
Comment: The p.M1830I variant (also known as c.5490G>A), located in coding exon 35 of the ATM gene, results from a G to A substitution at nucleotide position 5490. The methionine at codon 1830 is replaced by isoleucine, an amino acid with highly similar properties. This amino acid position is not well conserved in available vertebrate species. In addition, this alteration is predicted to be tolerated by in silico analysis. Based on the available evidence, the clinical significance of this variant remains unclear.

Color Diagnostics, LLC DBA Color Health
Classification: Uncertain significance for Hereditary cancer-predisposing syndrome. Last evaluated: 2024-03-06. Review status: criteria provided, single submitter. Criteria: ACMG Guidelines, 2015. Collection method: clinical testing. Allele origin: germline.
Comment: This missense variant replaces methionine with isoleucine at codon 1830 of the ATM protein. Computational prediction suggests that this variant may not impact protein structure and function (internally defined REVEL score threshold <= 0.5, PMID: 27666373). To our knowledge, functional studies have not been reported for this variant. This variant has not been reported in individuals affected with hereditary cancer in the literature. This variant has been identified in 1/250692 chromosomes in the general population by the Genome Aggregation Database (gnomAD). The available evidence is insufficient to determine the role of this variant in disease conclusively. Therefore, this variant is classified as a Variant of Uncertain Significance.

GeneDx
Classification: Uncertain significance. Last evaluated: 2021-01-29. Review status: criteria provided, single submitter. Criteria: GeneDx Variant Classification Process June 2021. Collection method: clinical testing. Allele origin: germline. Affected: yes.
Comment: Not observed at a significant frequency in large population cohorts (Lek 2016); In silico analysis supports that this missense variant does not alter protein structure/function; Has not been previously published as pathogenic or benign to our knowledge

Natera, Inc.
Classification: Uncertain significance for Ataxia-telangiectasia. Last evaluated: 2020-11-30. Review status: no assertion criteria provided. Collection method: clinical testing. Allele origin: germline. Not counted in ClinVar's aggregate classification.